The following is an entry in ClinVar:

ClinVar aggregate classification (germline): Uncertain significance (1 of 4 stars; one submission).

Conditions:
Epidermolysis bullosa simplex, Ogna type (EBS5A). Also called: Pidermolysis bullosa simplex 5A, Ogna type; EPIDERMOLYSIS BULLOSA SIMPLEX 5A, OGNA TYPE. Identifiers: Orphanet 79401, MedGen C0432317, MONDO:0007555, OMIM 131950.
Epidermolysis bullosa simplex 5C, with pyloric atresia (EBS5C). Also called: Epidermolysis bullosa simplex with pyloric atresia; PLEC-Related Epidermolysis Bullosa with Pyloric Atresia; PLEC1-Related Epidermolysis Bullosa with Pyloric Atresia. Identifiers: Orphanet 158684, MedGen C2677349, MONDO:0012807, OMIM 612138.
Epidermolysis bullosa simplex with nail dystrophy (EBS5D). Identifiers: MedGen C4225309, MONDO:0014661, OMIM 616487.
Epidermolysis bullosa simplex 5B, with muscular dystrophy (EBS5B). Also called: EPIDERMOLYSIS BULLOSA SIMPLEX AND LIMB-GIRDLE MUSCULAR DYSTROPHY; Epidermolysis bullosa simplex with muscular dystrophy. Identifiers: Orphanet 257, MedGen C2931072, MONDO:0009181, OMIM 226670.
Autosomal recessive limb-girdle muscular dystrophy type 2Q (LGMDR17). Also called: MUSCULAR DYSTROPHY, LIMB-GIRDLE, AUTOSOMAL RECESSIVE 17. Identifiers: Orphanet 254361, MedGen C3150989, MONDO:0013390, OMIM 613723.

gnomAD v4.1: 2 of 1,613,486 alleles (0.00012%); highest among the groups gnomAD compares: East Asian, 0.0022%; no homozygotes.

Submission:

Labcorp Genetics (formerly Invitae), Labcorp
Classification: Uncertain significance for Autosomal recessive limb-girdle muscular dystrophy type 2Q; Epidermolysis bullosa simplex, Ogna type; Epidermolysis bullosa simplex with nail dystrophy; Epidermolysis bullosa simplex 5C, with pyloric atresia; Epidermolysis bullosa simplex 5B, with muscular dystrophy. Last evaluated: 2022-09-17. Review status: criteria provided, single submitter. Criteria: Invitae Variant Classification Sherloc (09022015). Collection method: clinical testing. Allele origin: germline.
Comment: This variant is not present in population databases (gnomAD no frequency). In summary, the available evidence is currently insufficient to determine the role of this variant in disease. Therefore, it has been classified as a Variant of Uncertain Significance. Algorithms developed to predict the effect of missense changes on protein structure and function are either unavailable or do not agree on the potential impact of this missense change (SIFT: "Tolerated"; PolyPhen-2: "Probably Damaging"; Align-GVGD: "Class C0"). ClinVar contains an entry for this variant (Variation ID: 647288). This variant has not been reported in the literature in individuals affected with PLEC-related conditions. This sequence change replaces glutamic acid, which is acidic and polar, with glutamine, which is neutral and polar, at codon 2481 of the PLEC protein (p.Glu2481Gln).

NM_201384.3(PLEC):c.7360G>C (p.Glu2454Gln)

Gene: PLEC (plectin; minus strand). Cytogenetic location: 8q24.3.
Variant type: single nucleotide variant.
Coding change: c.7360G>C on transcript NM_201384.3 (MANE Select); coding-DNA position 7360, G replaced by C.
Protein change: p.Glu2454Gln; replaces glutamic acid 2454 with glutamine.
Molecular consequence: missense variant.
Genome position (GRCh38, 1-based): chr8:143,922,569, C>G on the plus strand (G>C on the coding strand, the complement: PLEC is on the minus strand). VCF-style: chr8-143922569-C-G. GRCh37 (hg19) VCF-style: chr8-144996737-C-G.
Other names: c.7441G>C, p.Glu2481Gln (NM_000445.5); c.7318G>C, p.Glu2440Gln (NM_201378.4); c.7294G>C, p.Glu2432Gln (NM_201379.3); c.7771G>C, p.Glu2591Gln (NM_201380.4); c.7264G>C, p.Glu2422Gln (NM_201381.3); c.7360G>C, p.Glu2454Gln (NM_201382.4); c.7372G>C, p.Glu2458Gln (NM_201383.3); short protein forms E2422Q, E2591Q, E2440Q, E2454Q, E2481Q, E2432Q, E2458Q.
Identifiers: ClinVar variation 647288 (VCV000647288.6), dbSNP rs1586864240, ClinGen allele CA372525952.